The following is an entry in ClinVar:

NM_020693.4(DSCAML1):c.802G>C (p.Ala268Pro)

Gene: DSCAML1 (DS cell adhesion molecule like 1; minus strand). Cytogenetic location: 11q23.3.
Variant type: single nucleotide variant.
Coding change: c.802G>C on transcript NM_020693.4 (MANE Select); coding-DNA position 802, G replaced by C.
Protein change: p.Ala268Pro; replaces alanine 268 with proline.
Molecular consequence: missense variant.
Genome position (GRCh38, 1-based): chr11:117,524,940, C>G on the plus strand (G>C on the coding strand, the complement: DSCAML1 is on the minus strand). VCF-style: chr11-117524940-C-G. GRCh37 (hg19) VCF-style: chr11-117395655-C-G.
Other names: c.802G>C, p.Ala268Pro (NM_001367904.1); c.394G>C, p.Ala132Pro (NM_001367905.1); short protein forms A268P, A132P.
Identifiers: ClinVar variation 2068192 (VCV002068192.6), dbSNP rs148686534, ClinGen allele CA6297445.

ClinVar aggregate classification (germline): Uncertain significance. Review status: criteria provided, multiple submitters, no conflicts (2 of 4 stars). 2 submissions from 2 submitters: Uncertain significance (2). Last evaluated 2025-10-03.

Allele frequency attached by ClinVar (database versions not stated): gnomAD exomes 0.00008; ExAC 0.00010; gnomAD 0.00025; TOPMed 0.00036.
gnomAD v4.1: 160 of 1,613,270 alleles (0.0099%); highest among the groups gnomAD compares: Middle Eastern, 0.099%; no homozygotes.

Submissions (2):

Labcorp Genetics (formerly Invitae), Labcorp
Classification: Uncertain significance. Last evaluated: 2025-10-03. Review status: criteria provided, single submitter. Criteria: Invitae Variant Classification Sherloc (09022015). Collection method: clinical testing. Allele origin: germline.
Comment: This sequence change replaces alanine, which is neutral and non-polar, with proline, which is neutral and non-polar, at codon 328 of the DSCAML1 protein (p.Ala328Pro). This variant is present in population databases (rs148686534, gnomAD 0.06%), and has an allele count higher than expected for a pathogenic variant. This variant has not been reported in the literature in individuals affected with DSCAML1-related conditions. ClinVar contains an entry for this variant (Variation ID: 2068192). An algorithm developed to predict the effect of missense changes on protein structure and function (PolyPhen-2) suggests that this variant is likely to be tolerated. In summary, the available evidence is currently insufficient to determine the role of this variant in disease. Therefore, it has been classified as a Variant of Uncertain Significance.

Ambry Genetics
Classification: Uncertain significance. Last evaluated: 2024-12-30. Review status: criteria provided, single submitter. Criteria: Ambry Variant Classification Scheme 2023. Collection method: clinical testing. Allele origin: germline.